The following is an entry in ClinVar:

ClinVar aggregate classification (germline): Uncertain significance. Review status: criteria provided, multiple submitters, no conflicts (2 of 4 stars). 2 submissions from 2 submitters: Uncertain significance (2). Last evaluated 2026-09-10.

Conditions:
Inborn genetic diseases. Identifiers: MedGen C0950123, MeSH D030342.
Tay-Sachs disease (TSD). Also called: HEXA DEFICIENCY; HEXA Disorders; GM2 gangliosidosis, type 1; Hexosaminidase alpha-subunit deficiency (variant B); Sphingolipidosis, Tay-Sachs; Hexosaminidase A Deficiency. Identifiers: Orphanet 845, MedGen C0039373, MONDO:0010100, OMIM 272800.

Allele frequency attached by ClinVar (database versions not stated): gnomAD exomes 0.00001; ExAC 0.00001; TOPMed 0.00001.
gnomAD v4.1: 6 of 1,614,128 alleles (0.00037%); highest among the groups gnomAD compares: East Asian, 0.013%; no homozygotes.

Submissions (2):

Ambry Genetics
Classification: Uncertain significance for Inborn genetic diseases. Last evaluated: 2026-09-10. Review status: criteria provided, single submitter. Criteria: Ambry Variant Classification Scheme 2023. Collection method: clinical testing. Allele origin: germline.
Comment: The c.1135A>G (p.N379D) alteration is located in exon 10 (coding exon 10) of the HEXA gene. This alteration results from a A to G substitution at nucleotide position 1135, causing the asparagine (N) at amino acid position 379 to be replaced by an aspartic acid (D). Based on data from gnomAD, the G allele has an overall frequency of 0.002% (6/251470) total alleles studied. The highest observed frequency was 0.033% (6/18394) of East Asian alleles. Based on insufficient or conflicting evidence, the clinical significance of this alteration remains unclear.

Labcorp Genetics (formerly Invitae), Labcorp
Classification: Uncertain significance for Tay-Sachs disease. Last evaluated: 2022-04-08. Review status: criteria provided, single submitter. Criteria: Invitae Variant Classification Sherloc (09022015). Collection method: clinical testing. Allele origin: germline.
Comment: This sequence change replaces asparagine, which is neutral and polar, with aspartic acid, which is acidic and polar, at codon 379 of the HEXA protein (p.Asn379Asp). This variant is present in population databases (rs776119987, gnomAD 0.03%). This variant has not been reported in the literature in individuals affected with HEXA-related conditions. Algorithms developed to predict the effect of missense changes on protein structure and function are either unavailable or do not agree on the potential impact of this missense change (SIFT: "Tolerated"; PolyPhen-2: "Probably Damaging"; Align-GVGD: "Class C0"). In summary, the available evidence is currently insufficient to determine the role of this variant in disease. Therefore, it has been classified as a Variant of Uncertain Significance.

NM_000520.6(HEXA):c.1135A>G (p.Asn379Asp)

Gene: HEXA (hexosaminidase subunit alpha; minus strand). Cytogenetic location: 15q23.
Variant type: single nucleotide variant.
Coding change: c.1135A>G on transcript NM_000520.6 (MANE Select); coding-DNA position 1135, A replaced by G.
Protein change: p.Asn379Asp; replaces asparagine 379 with aspartic acid.
Molecular consequence: missense variant.
Genome position (GRCh38, 1-based): chr15:72,347,697, T>C on the plus strand (A>G on the coding strand, the complement: HEXA is on the minus strand). VCF-style: chr15-72347697-T-C. GRCh37 (hg19) VCF-style: chr15-72640038-T-C.
Other names: c.1168A>G, p.Asn390Asp (NM_001318825.2); c.1135A>G (NM_000520.4); short protein forms N390D, N379D.
Identifiers: ClinVar variation 2168916 (VCV002168916.2), dbSNP rs776119987, ClinGen allele CA7644790.